The following is an entry in ClinVar:

NM_000178.4(GSS):c.154C>T (p.Leu52Phe)

Gene: GSS (glutathione synthetase; minus strand). Cytogenetic location: 20q11.22.
Variant type: single nucleotide variant.
Coding change: c.154C>T on transcript NM_000178.4 (MANE Select); coding-DNA position 154, C replaced by T.
Protein change: p.Leu52Phe; replaces leucine 52 with phenylalanine.
Molecular consequence: missense variant.
Genome position (GRCh38, 1-based): chr20:34,946,074, G>A on the plus strand (C>T on the coding strand, the complement: GSS is on the minus strand). VCF-style: chr20-34946074-G-A. GRCh37 (hg19) VCF-style: chr20-33533877-G-A.
Other names: c.154C>T, p.Leu52Phe (NM_001322494.1, NM_001322495.1); c.154C>T (NM_000178.2); short protein forms L52F.
Identifiers: ClinVar variation 2164048 (VCV002164048.3), dbSNP rs767650551, ClinGen allele CA313486661.

ClinVar aggregate classification (germline): Uncertain significance. Review status: criteria provided, multiple submitters, no conflicts (2 of 4 stars). 2 submissions from 2 submitters: Uncertain significance (2). Last evaluated 2023-04-19.

Conditions:
Inborn genetic diseases. Identifiers: MedGen C0950123, MeSH D030342.
Inherited glutathione synthetase deficiency. Identifiers: Orphanet 32, MedGen C5979912, MONDO:0017909.

Allele frequency attached by ClinVar (database versions not stated): gnomAD exomes 0.00001.
gnomAD v4.1: 4 of 1,613,522 alleles (0.00025%); highest among the groups gnomAD compares: Non-Finnish European, 0.00034%; no homozygotes.

Submissions (2):

Ambry Genetics
Classification: Uncertain significance for Inborn genetic diseases. Last evaluated: 2023-04-19. Review status: criteria provided, single submitter. Criteria: Ambry Variant Classification Scheme 2023. Collection method: clinical testing. Allele origin: germline.

Labcorp Genetics (formerly Invitae), Labcorp
Classification: Uncertain significance for Glutathione synthetase deficiency with 5-oxoprolinuria. Last evaluated: 2022-04-22. Review status: criteria provided, single submitter. Criteria: Invitae Variant Classification Sherloc (09022015). Collection method: clinical testing. Allele origin: germline.
Comment: This sequence change replaces leucine, which is neutral and non-polar, with phenylalanine, which is neutral and non-polar, at codon 52 of the GSS protein (p.Leu52Phe). This variant is present in population databases (no rsID available, gnomAD 0.002%). This variant has not been reported in the literature in individuals affected with GSS-related conditions. Algorithms developed to predict the effect of missense changes on protein structure and function are either unavailable or do not agree on the potential impact of this missense change (SIFT: "Deleterious"; PolyPhen-2: "Probably Damaging"; Align-GVGD: "Class C0"). In summary, the available evidence is currently insufficient to determine the role of this variant in disease. Therefore, it has been classified as a Variant of Uncertain Significance.